The following is an entry in ClinVar:

NM_001318895.3(FHL2):c.109G>T (p.Ala37Ser)

Gene: FHL2 (four and a half LIM domains 2; minus strand). Cytogenetic location: 2q12.2.
Variant type: single nucleotide variant.
Coding change: c.109G>T on transcript NM_001318895.3 (MANE Select); coding-DNA position 109, G replaced by T.
Protein change: p.Ala37Ser; replaces alanine 37 with serine.
Molecular consequence: missense variant. On other transcripts: 5 prime UTR variant (3).
Genome position (GRCh38, 1-based): chr2:105,386,408, C>A on the plus strand (G>T on the coding strand, the complement: FHL2 is on the minus strand). VCF-style: chr2-105386408-C-A. GRCh37 (hg19) VCF-style: chr2-106002865-C-A.
Other names: c.109G>T, p.Ala37Ser (NM_001039492.3, NM_001318894.1, NM_001318896.2 and 4 more transcripts); c.-59G>T (NM_001318897.2, NM_001318898.2); c.-338G>T (NM_001318899.2); short protein forms A37S.
Identifiers: ClinVar variation 178038 (VCV000178038.16), dbSNP rs74575749, ClinGen allele CA181246.
Genomic context (GRCh38, chr2:105,386,408, plus strand): 5'-CCGCAGCAGGTACCTTGCAGTCACAGCCGATGGGCTTCCCACACTCCTCGCAGGTGTTGG[C>A]GAACAGGGTCTCAAAGCACACCACGCAGTAGGGGCTCTCCTCCCGCAGGATGTACTTCTT-3'
Protein context (NP_001305824.1, residues 27-47): YCVVCFETLF[Ala37Ser]NTCEECGKPI

ClinVar aggregate classification (germline): Benign/Likely benign. Review status: criteria provided, multiple submitters, no conflicts (2 of 4 stars). 4 submissions from 4 submitters: Benign (1); Likely benign (3). Last evaluated 2026-02-01.

Conditions:
FHL2-related disorder. Also called: FHL2-related condition.
Primary dilated cardiomyopathy (DCM). Also called: Dilated Cardiomyopathy. Identifiers: Orphanet 217604, MedGen C0007193, MeSH D002311, MONDO:0005021, HP:0001644. Inheritance: Various modes of inheritance.

Allele frequency attached by ClinVar (database versions not stated): 1000 Genomes Project 0.00160; gnomAD 0.00175; TOPMed 0.00180; 1000 Genomes Project 30x 0.00219; ESP Exome Variant Server 0.00231.
gnomAD v4.1: 538 of 1,614,160 alleles (0.033%); highest among the groups gnomAD compares: African/African-American, 0.61%; 1 homozygote.

Submissions (4):

Labcorp Genetics (formerly Invitae), Labcorp
Classification: Benign for Primary dilated cardiomyopathy. Last evaluated: 2026-02-01. Review status: criteria provided, single submitter. Criteria: Invitae Variant Classification Sherloc (09022015). Collection method: clinical testing. Allele origin: germline.

PreventionGenetics, part of Exact Sciences
Classification: Likely benign for FHL2-related condition. Last evaluated: 2024-10-18. Review status: criteria provided, single submitter. Criteria: ACMG Guidelines, 2015. Collection method: clinical testing. Allele origin: germline.
Comment: This variant is classified as likely benign based on ACMG/AMP sequence variant interpretation guidelines (Richards et al. 2015 PMID: 25741868, with internal and published modifications).

Laboratory for Molecular Medicine, Mass General Brigham Personalized Medicine
Classification: Likely benign. Last evaluated: 2012-03-19. Review status: criteria provided, single submitter. Criteria: LMM Criteria. Collection method: clinical testing. Allele origin: germline. Observed: 4 variant alleles.
Comment: Ala37Ser in exon 2 of FHL2: This variant is not expected to have clinical signif icance because it has been identified in 0.7% (26/3738) of African American chro mosomes from a broad population by the NHLBI Exome Sequencing Project (s.; dbSNP rs74575749). Ala37Ser in exon 2 of FHL2 (rs74575 749; allele frequency = 0.7%, 26/3738) **

Breakthrough Genomics
Classification: Likely benign. Review status: criteria provided, single submitter. Criteria: ACMG Guidelines, 2015. Collection method: not provided. Allele origin: germline. Inheritance: Unknown mechanism. Affected: yes.